The following is an entry in ClinVar:

NM_001036.6(RYR3):c.9950T>C (p.Ile3317Thr)

Gene: RYR3 (ryanodine receptor 3; plus strand). Cytogenetic location: 15q14.
Variant type: single nucleotide variant.
Coding change: c.9950T>C on transcript NM_001036.6 (MANE Select); coding-DNA position 9950, T replaced by C.
Protein change: p.Ile3317Thr; replaces isoleucine 3317 with threonine.
Molecular consequence: missense variant.
Genome position (GRCh38, 1-based): chr15:33,801,900, T>C. VCF-style: chr15-33801900-T-C. GRCh37 (hg19) VCF-style: chr15-34094101-T-C.
Other names: c.9950T>C, p.Ile3317Thr (NM_001243996.4); short protein forms I3317T.
Identifiers: ClinVar variation 461994 (VCV000461994.36), dbSNP rs150028316, ClinGen allele CA7460677.

ClinVar aggregate classification (germline): Likely benign. Review status: criteria provided, multiple submitters, no conflicts (2 of 4 stars). 4 submissions from 4 submitters: Likely benign (4). Last evaluated 2025-09-01.

Conditions:
Epileptic encephalopathy. Identifiers: MedGen C0543888, HP:0200134.

Allele frequency attached by ClinVar (database versions not stated): ESP Exome Variant Server 0.00136; 1000 Genomes Project 0.00140; TOPMed 0.00142; gnomAD 0.00149 and 0.00169; 1000 Genomes Project 30x 0.00156; gnomAD exomes 0.00240 and 0.00277; ExAC 0.00441.
gnomAD v4.1: 4,214 of 1,579,436 alleles (0.27%); highest among the groups gnomAD compares: South Asian, 0.89%; 16 homozygotes.

Submissions (4):

CeGaT Center for Human Genetics Tuebingen
Classification: Likely benign. Last evaluated: 2025-09-01. Review status: criteria provided, single submitter. Criteria: CeGaT Center For Human Genetics Tuebingen Variant Classification Criteria Version 2. Collection method: clinical testing. Allele origin: germline. Affected: yes. Observed: 4 variant alleles.
Comment: RYR3: PP3, BS2

Labcorp Genetics (formerly Invitae), Labcorp
Classification: Likely benign for Epileptic encephalopathy. Last evaluated: 2024-12-03. Review status: criteria provided, single submitter. Criteria: Invitae Variant Classification Sherloc (09022015). Collection method: clinical testing. Allele origin: germline.

Blueprint Genetics
Classification: Likely benign. Last evaluated: 2024-11-26. Review status: criteria provided, single submitter. Criteria: ACMG Guidelines, 2015. Collection method: clinical testing. Allele origin: germline.

Breakthrough Genomics
Classification: Likely benign. Review status: criteria provided, single submitter. Criteria: ACMG Guidelines, 2015. Collection method: not provided. Allele origin: germline. Inheritance: Unknown mechanism. Affected: yes.